The following is an entry in ClinVar:

ClinVar aggregate classification (germline): Likely pathogenic (1 of 4 stars; one submission).

Conditions:
Neonatal encephalomyopathy-cardiomyopathy-respiratory distress syndrome. Also called: Coenzyme Q10 deficiency, primary, 7. Identifiers: Orphanet 457185, MedGen C5568562, MONDO:0014562, OMIM 616276.

Allele frequency attached by ClinVar (database versions not stated): TOPMed 0.00001; ExAC 0.00003.
gnomAD v4.1: 9 of 1,601,182 alleles (0.00056%); highest among the groups gnomAD compares: Non-Finnish European, 0.00068%; no homozygotes.

Submission:

Labcorp Genetics (formerly Invitae), Labcorp
Classification: Likely pathogenic for Neonatal encephalomyopathy-cardiomyopathy-respiratory distress syndrome. Last evaluated: 2023-11-13. Review status: criteria provided, single submitter. Criteria: Invitae Variant Classification Sherloc (09022015). Collection method: clinical testing. Allele origin: germline.
Comment: This sequence change affects a donor splice site in intron 1 of the COQ4 gene. It is expected to disrupt RNA splicing. Variants that disrupt the donor or acceptor splice site typically lead to a loss of protein function (PMID: 16199547), and loss-of-function variants in COQ4 are known to be pathogenic (PMID: 25658047). The frequency data for this variant in the population databases is considered unreliable, as metrics indicate poor data quality at this position in the gnomAD database. This variant has not been reported in the literature in individuals affected with COQ4-related conditions. ClinVar contains an entry for this variant (Variation ID: 2101637). Algorithms developed to predict the effect of sequence changes on RNA splicing suggest that this variant may disrupt the consensus splice site. In summary, the currently available evidence indicates that the variant is pathogenic, but additional data are needed to prove that conclusively. Therefore, this variant has been classified as Likely Pathogenic.

Literature cited by the submitters: PubMed 16199547; PubMed 25658047.

NM_016035.5(COQ4):c.70+1G>A

Gene: COQ4 (coenzyme Q4; plus strand). Cytogenetic location: 9q34.11.
Variant type: single nucleotide variant.
Coding change: c.70+1G>A on transcript NM_016035.5 (MANE Select); the canonical splice donor site of the intron after coding-DNA position 70, G replaced by A.
Molecular consequence: splice donor variant.
Genome position (GRCh38, 1-based): chr9:128,322,929, G>A. VCF-style: chr9-128322929-G-A. GRCh37 (hg19) VCF-style: chr9-131085208-G-A.
Other names: c.70+1G>A (NM_001305942.2).
Identifiers: ClinVar variation 2101637 (VCV002101637.4), dbSNP rs762083094, ClinGen allele CA5260376.